The following is an entry in ClinVar:

ClinVar aggregate classification (germline): Uncertain significance (1 of 4 stars; one submission).

gnomAD v4.1: 10 of 1,453,886 alleles (0.00069%); highest among the groups gnomAD compares: Non-Finnish European, 0.0009%; no homozygotes.

Submission:

Labcorp Genetics (formerly Invitae), Labcorp
Classification: Uncertain significance. Last evaluated: 2024-08-22. Review status: criteria provided, single submitter. Criteria: Invitae Variant Classification Sherloc (09022015). Collection method: clinical testing. Allele origin: germline.
Comment: This sequence change replaces glycine, which is neutral and non-polar, with arginine, which is basic and polar, at codon 332 of the PRDM13 protein (p.Gly332Arg). This variant is not present in population databases (gnomAD no frequency). This variant has not been reported in the literature in individuals affected with PRDM13-related conditions. An algorithm developed to predict the effect of missense changes on protein structure and function (PolyPhen-2) suggests that this variant is likely to be tolerated. In summary, the available evidence is currently insufficient to determine the role of this variant in disease. Therefore, it has been classified as a Variant of Uncertain Significance.

NM_021620.4(PRDM13):c.994G>C (p.Gly332Arg)

Genes: PRDM13 (PR/SET domain 13; plus strand), LOC129996881 (ATAC-STARR-seq lymphoblastoid silent region 17422; plus strand). Cytogenetic location: 6q16.2.
Variant type: single nucleotide variant.
Coding change: c.994G>C on transcript NM_021620.4 (MANE Select); coding-DNA position 994, G replaced by C.
Protein change: p.Gly332Arg; replaces glycine 332 with arginine.
Molecular consequence: missense variant.
Genome position (GRCh38, 1-based): chr6:99,613,629, G>C. VCF-style: chr6-99613629-G-C. GRCh37 (hg19) VCF-style: chr6-100061505-G-C.
Other names: short protein forms G332R.
Identifiers: ClinVar variation 3631816 (VCV003631816.2).